The following is an entry in ClinVar:

ClinVar aggregate classification (germline): Uncertain significance. Review status: criteria provided, multiple submitters, no conflicts (2 of 4 stars). 2 submissions from 2 submitters: Uncertain significance (2). Last evaluated 2024-04-09.

Conditions:
Fanconi anemia complementation group L (FANCL). Also called: FANCL-Related Fanconi Anemia. Identifiers: Orphanet 84, MedGen C3469528, MONDO:0013566, OMIM 614083.
Fanconi anemia (FA). Also called: Fanconi's anemia. Identifiers: Orphanet 84, MedGen C0015625, MeSH D005199, MONDO:0019391.

Allele frequency attached by ClinVar (database versions not stated): ESP Exome Variant Server 0.00008.
gnomAD v4.1: 18 of 1,614,128 alleles (0.0011%); highest among the groups gnomAD compares: Middle Eastern, 0.033%; no homozygotes.

Submissions (2):

Fulgent Genetics
Classification: Uncertain significance for Fanconi anemia complementation group L. Last evaluated: 2024-04-09. Review status: criteria provided, single submitter. Criteria: ACMG Guidelines, 2015. Collection method: clinical testing. Allele origin: germline.

Labcorp Genetics (formerly Invitae), Labcorp
Classification: Uncertain significance for Fanconi anemia. Last evaluated: 2021-11-07. Review status: criteria provided, single submitter. Criteria: Invitae Variant Classification Sherloc (09022015). Collection method: clinical testing. Allele origin: germline.
Comment: This sequence change replaces serine, which is neutral and polar, with threonine, which is neutral and polar, at codon 7 of the FANCL protein (p.Ser7Thr). This variant is present in population databases (rs376224867, gnomAD 0.007%). This variant has not been reported in the literature in individuals affected with FANCL-related conditions. Algorithms developed to predict the effect of missense changes on protein structure and function output the following: SIFT: "Tolerated"; PolyPhen-2: "Benign"; Align-GVGD: "Class C0". The threonine amino acid residue is found in multiple mammalian species, which suggests that this missense change does not adversely affect protein function. In summary, the available evidence is currently insufficient to determine the role of this variant in disease. Therefore, it has been classified as a Variant of Uncertain Significance.

NM_018062.4(FANCL):c.20G>C (p.Ser7Thr)

Gene: FANCL (FA complementation group L; minus strand). Cytogenetic location: 2p16.1.
Variant type: single nucleotide variant.
Coding change: c.20G>C on transcript NM_018062.4 (MANE Select); coding-DNA position 20, G replaced by C.
Protein change: p.Ser7Thr; replaces serine 7 with threonine.
Molecular consequence: missense variant.
Genome position (GRCh38, 1-based): chr2:58,241,294, C>G on the plus strand (G>C on the coding strand, the complement: FANCL is on the minus strand). VCF-style: chr2-58241294-C-G. GRCh37 (hg19) VCF-style: chr2-58468429-C-G.
Other names: c.20G>C, p.Ser7Thr (NM_001114636.2, NM_001374615.1, NM_001410792.1); short protein forms S7T.
Identifiers: ClinVar variation 1507056 (VCV001507056.4), dbSNP rs376224867, ClinGen allele CA1670846.